The following is an entry in ClinVar:

NM_207312.3(TUBA3E):c.640C>T (p.Arg214Trp)

Genes: MZT2B (mitotic spindle organizing protein 2B; plus strand), TUBA3E (tubulin alpha 3e; minus strand). Cytogenetic location: 2q21.1.
Variant type: single nucleotide variant.
Coding change: c.640C>T on transcript NM_207312.3 (MANE Select); coding-DNA position 640, C replaced by T.
Protein change: p.Arg214Trp; replaces arginine 214 with tryptophan.
Molecular consequence: missense variant.
Genome position (GRCh38, 1-based): chr2:130,194,202, G>A on the plus strand (C>T on the coding strand, the complement: TUBA3E is on the minus strand). VCF-style: chr2-130194202-G-A. GRCh37 (hg19) VCF-style: chr2-130951775-G-A.
Other names: short protein forms R214W.
Identifiers: ClinVar variation 3067303 (VCV003067303.21), dbSNP rs147088601, ClinGen allele CA1870946.
Genomic context (GRCh38, chr2:130,194,202, plus strand): 5'-TCTGCCCAATCAGGCGATTGAGGTTGGTGTACGTGGGACGTTCAATGTCCAGGTTGCGCC[G>A]ACATATGTCATAGATGGCTTCATTGTCGACCATGAAGGCACAGTCAGAATGTTCCAGGGT-3'
Protein context (NP_997195.2, residues 204-224): VDNEAIYDIC[Arg214Trp]RNLDIERPTY

ClinVar aggregate classification (germline): Likely benign (1 of 4 stars; one submission).

Allele frequency attached by ClinVar (database versions not stated): ESP Exome Variant Server 0.00015; gnomAD 0.00035; ExAC 0.00049; 1000 Genomes Project 30x 0.00062; 1000 Genomes Project 0.00080.
gnomAD v4.1: 316 of 1,613,062 alleles (0.02%); highest among the groups gnomAD compares: East Asian, 0.27%; 1 homozygote.

Submission:

CeGaT Center for Human Genetics Tuebingen
Classification: Likely benign. Last evaluated: 2024-03-01. Review status: criteria provided, single submitter. Criteria: CeGaT Center For Human Genetics Tuebingen Variant Classification Criteria Version 2. Collection method: clinical testing. Allele origin: germline. Affected: yes. Observed: 1 variant allele.
Comment: TUBA3E: BS1